The following is an entry in ClinVar:

NM_004260.4(RECQL4):c.951C>T (p.Pro317=)

Gene: RECQL4 (RecQ like helicase 4; minus strand). Cytogenetic location: 8q24.3.
Variant type: single nucleotide variant.
Coding change: c.951C>T on transcript NM_004260.4 (MANE Select); coding-DNA position 951, C replaced by T.
Protein change: p.Pro317=; no amino-acid change (proline 317 retained).
Molecular consequence: synonymous variant. On other transcripts: non-coding transcript variant (3), 5 prime UTR variant (17).
Genome position (GRCh38, 1-based): chr8:144,516,168, G>A on the plus strand (C>T on the coding strand, the complement: RECQL4 is on the minus strand). VCF-style: chr8-144516168-G-A. GRCh37 (hg19) VCF-style: chr8-145741552-G-A.
Other names: c.-121C>T (NM_001413022.1, NM_001413023.1, NM_001413024.1 and 7 more transcripts); c.822C>T, p.Pro274= (NM_001413025.1); c.-183C>T (NM_001413027.1, NM_001413030.1, NM_001413031.1 and 2 more transcripts); c.600C>T, p.Pro200= (NM_001413029.1); c.951C>T, p.Pro317= (NM_001413033.1, NM_001413036.1, NM_001413039.1 and 4 more transcripts); c.-25C>T (NM_001413034.1); c.-390C>T (NM_001413043.1).
Identifiers: ClinVar variation 3772517 (VCV003772517.13).
Genomic context (GRCh38, chr8:144,516,168, plus strand): 5'-GGCTGTGCCCTCAGCCTTCCCAGCCCTAGCTTGACTGGAGGGGCTGAGTCCGTGGTACCT[G>A]GGGTTCGATGGGCTGCTGCAGGGCTGAGGTGGCTGTGCCTGTACAGGTTCCCCTGGAGGG-3'
Protein context (NP_004251.4, residues 307-327): PPQPCSSPSN[Pro317=]RYHGLSPSSQ

ClinVar aggregate classification (germline): Likely benign (1 of 4 stars; one submission).

Submission:

CeGaT Center for Human Genetics Tuebingen
Classification: Likely benign. Last evaluated: 2025-02-01. Review status: criteria provided, single submitter. Criteria: CeGaT Center For Human Genetics Tuebingen Variant Classification Criteria Version 2. Collection method: clinical testing. Allele origin: germline. Affected: yes. Observed: 2 variant alleles.
Comment: RECQL4: PM2:Supporting, BP4, BP7